The following is an entry in ClinVar:

ClinVar aggregate classification (germline): Uncertain significance (1 of 4 stars; one submission).

Conditions:
Wilms tumor 1 (WT1). Also called: Wilms tumor, somatic. Identifiers: Orphanet 654, MedGen CN033288, MONDO:0008679, OMIM 194070.

Submission:

Labcorp Genetics (formerly Invitae), Labcorp
Classification: Uncertain significance for Wilms tumor 1. Last evaluated: 2023-07-14. Review status: criteria provided, single submitter. Criteria: Invitae Variant Classification Sherloc (09022015). Collection method: clinical testing. Allele origin: germline.
Comment: In summary, the available evidence is currently insufficient to determine the role of this variant in disease. Therefore, it has been classified as a Variant of Uncertain Significance. Advanced modeling of protein sequence and biophysical properties (such as structural, functional, and spatial information, amino acid conservation, physicochemical variation, residue mobility, and thermodynamic stability) performed at Invitae indicates that this missense variant is not expected to disrupt GPC3 protein function. This variant has not been reported in the literature in individuals affected with GPC3-related conditions. This variant is not present in population databases (gnomAD no frequency). This sequence change replaces isoleucine, which is neutral and non-polar, with valine, which is neutral and non-polar, at codon 215 of the GPC3 protein (p.Ile215Val).

NM_004484.4(GPC3):c.643A>G (p.Ile215Val)

Gene: GPC3 (glypican 3; minus strand). Cytogenetic location: Xq26.2.
Variant type: single nucleotide variant.
Coding change: c.643A>G on transcript NM_004484.4 (MANE Select); coding-DNA position 643, A replaced by G.
Protein change: p.Ile215Val; replaces isoleucine 215 with valine.
Molecular consequence: missense variant.
Genome position (GRCh38, 1-based): chrX:133,753,871, T>C on the plus strand (A>G on the coding strand, the complement: GPC3 is on the minus strand). VCF-style: chrX-133753871-T-C. GRCh37 (hg19) VCF-style: chrX-132887898-T-C.
Other names: c.643A>G, p.Ile215Val (NM_001164617.2); c.595A>G, p.Ile199Val (NM_001164618.2); c.481A>G, p.Ile161Val (NM_001164619.2); short protein forms I161V, I199V, I215V.
Identifiers: ClinVar variation 2906141 (VCV002906141.3), dbSNP rs2521356225, ClinGen allele CA414706175.